The following is an entry in ClinVar:

NM_000090.4(COL3A1):c.1819C>G (p.Pro607Ala)

Gene: COL3A1 (collagen type III alpha 1 chain; plus strand). Cytogenetic location: 2q32.2.
Variant type: single nucleotide variant.
Coding change: c.1819C>G on transcript NM_000090.4 (MANE Select); coding-DNA position 1819, C replaced by G.
Protein change: p.Pro607Ala; replaces proline 607 with alanine.
Molecular consequence: missense variant.
Genome position (GRCh38, 1-based): chr2:188,997,339, C>G. VCF-style: chr2-188997339-C-G. GRCh37 (hg19) VCF-style: chr2-189862065-C-G.
Other names: short protein forms P607A.
Identifiers: ClinVar variation 919114 (VCV000919114.15), dbSNP rs376525602, ClinGen allele CA074709.

ClinVar aggregate classification (germline): Conflicting classifications of pathogenicity. Review status: criteria provided, conflicting classifications (1 of 4 stars). 7 submissions from 7 submitters: Uncertain significance (4); Likely benign (3). Last evaluated 2026-01-01.

Conditions:
Ehlers-Danlos syndrome, type 4 (EDSVASC). Also called: Ehlers-Danlos Syndrome Type IV; Ehlers-Danlos syndrome vascular type; Ehlers Danlos syndrome, ecchymotic type; Ehlers Danlos syndrome, arterial type; Ehlers Danlos syndrome, Sack-Barabas type. Identifiers: Orphanet 286, MedGen C0268338, MONDO:0017314, OMIM 130050.
Familial thoracic aortic aneurysm and aortic dissection (TAAD). Also called: Thoracic aortic aneurysms and dissections. Identifiers: Orphanet 91387, MedGen C4707243, MONDO:0019625.

Allele frequency attached by ClinVar (database versions not stated): gnomAD 0.00001; TOPMed 0.00002.
gnomAD v4.1: 19 of 1,613,712 alleles (0.0012%); highest among the groups gnomAD compares: East Asian, 0.04%; no homozygotes.

Submissions (7):

CeGaT Center for Human Genetics Tuebingen
Classification: Uncertain significance. Last evaluated: 2026-01-01. Review status: criteria provided, single submitter. Criteria: CeGaT Center For Human Genetics Tuebingen Variant Classification Criteria Version 2. Collection method: clinical testing. Allele origin: germline. Affected: yes. Observed: 1 variant allele.
Comment: COL3A1: PM2

Labcorp Genetics (formerly Invitae), Labcorp
Classification: Uncertain significance for Ehlers-Danlos syndrome, type 4. Last evaluated: 2025-11-13. Review status: criteria provided, single submitter. Criteria: Invitae Variant Classification Sherloc (09022015). Collection method: clinical testing. Allele origin: germline.
Comment: This sequence change replaces proline, which is neutral and non-polar, with alanine, which is neutral and non-polar, at codon 607 of the COL3A1 protein (p.Pro607Ala). This variant is present in population databases (rs376525602, gnomAD 0.04%). This variant has not been reported in the literature in individuals affected with COL3A1-related conditions. ClinVar contains an entry for this variant (Variation ID: 919114). Invitae Evidence Modeling of protein sequence and biophysical properties (such as structural, functional, and spatial information, amino acid conservation, physicochemical variation, residue mobility, and thermodynamic stability) indicates that this missense variant is not expected to disrupt COL3A1 protein function with a negative predictive value of 95%. In summary, the available evidence is currently insufficient to determine the role of this variant in disease. Therefore, it has been classified as a Variant of Uncertain Significance.

Women's Health and Genetics/Laboratory Corporation of America, LabCorp
Classification: Likely benign. Last evaluated: 2024-09-04. Review status: criteria provided, single submitter. Criteria: LabCorp Variant Classification Summary - May 2015. Collection method: clinical testing. Allele origin: germline.
Comment: Variant summary: COL3A1 c.1819C>G (p.Pro607Ala) results in a non-conservative amino acid change in the encoded protein sequence. Four of five in-silico tools predict a benign effect of the variant on protein function. The variant allele was found at a frequency of 1.2e-05 in 1613712 control chromosomes, predominantly at a frequency of 0.0004 within the East Asian subpopulation in the gnomAD database. The observed variant frequency within East Asian control individuals in the gnomAD database is approximately 320 fold of the estimated maximal expected allele frequency for a pathogenic variant in COL3A1 causing Aortopathy phenotype (1.3e-06). To our knowledge, no occurrence of c.1819C>G in individuals affected with Aortopathy and no experimental evidence demonstrating its impact on protein function have been reported. ClinVar contains an entry for this variant (Variation ID: 919114). Based on the evidence outlined above, the variant was classified as likely benign.

All of Us Research Program, National Institutes of Health
Classification: Likely benign for Ehlers-Danlos syndrome, type 4. Last evaluated: 2023-11-20. Review status: criteria provided, single submitter. Criteria: ACMG Guidelines, 2015. Collection method: clinical testing. Allele origin: germline. Inheritance: Autosomal dominant inheritance. Observed: 2 variant alleles, 2 heterozygotes.
Comment: This study involves interpretation of variants in research participants for the purpose of population health screening. Participant phenotype was not available at the time of variant classification. Additional details can be found in publication PMID: 35346344, PMCID: PMC8962531

CHEO Genetics Diagnostic Laboratory, Children's Hospital of Eastern Ontario
Classification: Uncertain significance for Familial thoracic aortic aneurysm and aortic dissection. Last evaluated: 2023-03-31. Review status: criteria provided, single submitter. Criteria: ACMG Guidelines, 2015. Collection method: clinical testing. Allele origin: germline.

Ambry Genetics
Classification: Uncertain significance for Familial thoracic aortic aneurysm and aortic dissection. Last evaluated: 2020-02-18. Review status: criteria provided, single submitter. Criteria: Ambry Variant Classification Scheme 2023. Collection method: clinical testing. Allele origin: germline.
Comment: The p.P607A variant (also known as c.1819C>G), located in coding exon 26 of the COL3A1 gene, results from a C to G substitution at nucleotide position 1819. The proline at codon 607 is replaced by alanine, an amino acid with highly similar properties. This amino acid position is not well conserved in available vertebrate species, and alanine is the reference amino acid in other vertebrate species. In addition, this alteration is predicted to be tolerated by in silico analysis. Since supporting evidence is limited at this time, the clinical significance of this alteration remains unclear.

Color Diagnostics, LLC DBA Color Health
Classification: Likely benign for Familial thoracic aortic aneurysm and aortic dissection. Last evaluated: 2019-10-08. Review status: criteria provided, single submitter. Criteria: ACMG Guidelines, 2015. Collection method: clinical testing. Allele origin: germline.